The following is an entry in ClinVar:

ClinVar aggregate classification (germline): Uncertain significance (1 of 4 stars; one submission).

Conditions:
Hypertrophic cardiomyopathy. Also called: HYPERTROPHIC MYOCARDIOPATHY. Identifiers: Orphanet 217569, MedGen C0007194, MeSH D002312, MONDO:0005045, HP:0001639.

gnomAD v4.1: 1 of 1,614,208 alleles (0.000062%); no homozygotes.

Submission:

Labcorp Genetics (formerly Invitae), Labcorp
Classification: Uncertain significance for Hypertrophic cardiomyopathy. Last evaluated: 2021-12-23. Review status: criteria provided, single submitter. Criteria: Invitae Variant Classification Sherloc (09022015). Collection method: clinical testing. Allele origin: germline.
Comment: This sequence change replaces leucine, which is neutral and non-polar, with methionine, which is neutral and non-polar, at codon 616 of the MYH7 protein (p.Leu616Met). This variant is not present in population databases (gnomAD no frequency). This variant has not been reported in the literature in individuals affected with MYH7-related conditions. Algorithms developed to predict the effect of missense changes on protein structure and function output the following: SIFT: "Tolerated"; PolyPhen-2: "Possibly Damaging"; Align-GVGD: "Class C0". The methionine amino acid residue is found in multiple mammalian species, which suggests that this missense change does not adversely affect protein function. This variant is found within a region of MYH7 between codons 181 and 937 that contains the majority of the myosin head domain. Missense variants in this region have been shown to be significantly overrepresented in individuals with hypertrophic cardiomyopathy (PMID: 27532257). In summary, the available evidence is currently insufficient to determine the role of this variant in disease. Therefore, it has been classified as a Variant of Uncertain Significance.

Literature cited by the submitters: PubMed 27532257.

NM_000257.4(MYH7):c.1846C>A (p.Leu616Met)

Gene: MYH7 (myosin heavy chain 7; minus strand). Cytogenetic location: 14q11.2.
Variant type: single nucleotide variant.
Coding change: c.1846C>A on transcript NM_000257.4 (MANE Select); coding-DNA position 1846, C replaced by A.
Protein change: p.Leu616Met; replaces leucine 616 with methionine.
Molecular consequence: missense variant.
Genome position (GRCh38, 1-based): chr14:23,427,627, G>T on the plus strand (C>A on the coding strand, the complement: MYH7 is on the minus strand). VCF-style: chr14-23427627-G-T. GRCh37 (hg19) VCF-style: chr14-23896836-G-T.
Other names: c.1846C>A, p.Leu616Met (NM_001407004.1); short protein forms L616M.
Identifiers: ClinVar variation 2055089 (VCV002055089.4), dbSNP rs1041955, ClinGen allele CA389049695.